The following is an entry in ClinVar:

NM_001110556.2(FLNA):c.4567G>A (p.Val1523Ile)

Gene: FLNA (filamin A; minus strand). Cytogenetic location: Xq28.
Variant type: single nucleotide variant.
Coding change: c.4567G>A on transcript NM_001110556.2 (MANE Select); coding-DNA position 4567, G replaced by A.
Protein change: p.Val1523Ile; replaces valine 1523 with isoleucine.
Molecular consequence: missense variant.
Genome position (GRCh38, 1-based): chrX:154,358,476, C>T on the plus strand (G>A on the coding strand, the complement: FLNA is on the minus strand). VCF-style: chrX-154358476-C-T. GRCh37 (hg19) VCF-style: chrX-153586844-C-T.
Other names: c.4567G>A, p.Val1523Ile (NM_001456.4); short protein forms V1523I.
Identifiers: ClinVar variation 2937695 (VCV002937695.3), dbSNP rs2522735733, ClinGen allele CA415215365.

ClinVar aggregate classification (germline): Uncertain significance (1 of 4 stars; one submission).

Conditions:
Oto-palato-digital syndrome, type II (OPD2). Also called: FACIOPALATOOSSEOUS SYNDROME; OPD II SYNDROME; Otopalatodigital Syndrome, Type II; Otopalatodigital Syndrome Type 2 (FLNA-OPD2). Identifiers: Orphanet 669, Orphanet 90652, MedGen C1844696, MONDO:0010571, OMIM 304120.
Heterotopia, periventricular, X-linked dominant (PVNH1). Also called: PERIVENTRICULAR NODULAR HETEROTOPIA 1; X-linked periventricular heterotopia; PERIVENTRICULAR NODULAR HETEROTOPIA 4; HETEROTOPIA, PERIVENTRICULAR, 1. Identifiers: Orphanet 2149, Orphanet 82004, MedGen C1848213, MONDO:0010233, OMIM 300049.
Frontometaphyseal dysplasia (FMD1). Identifiers: Orphanet 1826, MedGen C0265293, MONDO:0015942.
Melnick-Needles syndrome (MNS). Also called: MELNICK-NEEDLES OSTEODYSPLASTY; OSTEODYSPLASTY OF MELNICK AND NEEDLES; Melnick-Needles Syndrome (FLNA-MNS). Identifiers: Orphanet 2484, MedGen C0025237, MONDO:0010650, OMIM 309350.

Submission:

Labcorp Genetics (formerly Invitae), Labcorp
Classification: Uncertain significance for Oto-palato-digital syndrome, type II; Heterotopia, periventricular, X-linked dominant; Frontometaphyseal dysplasia; Melnick-Needles syndrome. Last evaluated: 2023-08-16. Review status: criteria provided, single submitter. Criteria: Invitae Variant Classification Sherloc (09022015). Collection method: clinical testing. Allele origin: germline.
Comment: This variant has not been reported in the literature in individuals affected with FLNA-related conditions. In summary, the available evidence is currently insufficient to determine the role of this variant in disease. Therefore, it has been classified as a Variant of Uncertain Significance. Advanced modeling of protein sequence and biophysical properties (such as structural, functional, and spatial information, amino acid conservation, physicochemical variation, residue mobility, and thermodynamic stability) performed at Invitae indicates that this missense variant is not expected to disrupt FLNA protein function. This variant is not present in population databases (gnomAD no frequency). This sequence change replaces valine, which is neutral and non-polar, with isoleucine, which is neutral and non-polar, at codon 1523 of the FLNA protein (p.Val1523Ile).